The following is an entry in ClinVar:

ClinVar aggregate classification (germline): Pathogenic (1 of 4 stars; one submission).

Conditions:
Brachydactyly type E2 (BDE2). Identifiers: Orphanet 93387, MedGen C3150644, MONDO:0013244, OMIM 613382.

Submission:

Women's Health and Genetics/Laboratory Corporation of America, LabCorp
Classification: Pathogenic for Brachydactyly type E2. Last evaluated: 2021-07-29. Review status: criteria provided, single submitter. Criteria: LabCorp Variant Classification Summary - May 2015. Collection method: clinical testing. Allele origin: germline.
Comment: Variant summary: PTHLH c.44T>G (p.Leu15Arg) results in a non-conservative amino acid change located in a highly conserved sequence and a hydrophobic core region of the signal peptide (Wang_2015) of the encoded protein. Five of five in-silico tools predict a damaging effect of the variant on protein function. Experimental evidence supports these predictions demonstrating the variant affects the signal peptide cleavage site and leads to the signal sequences not being cleaved off after the nascent proteins are translated (Wang_2015). The variant was absent in 218388 control chromosomes (gnomAD and publication data). c.44T>G has been reported in the literature co-segregating with disease in multiple individuals from one family affected with bilateral, severe, and generalized brachydactyly with short stature (Wang_2015). These data indicate that the variant is very likely to be associated with disease. No clinical diagnostic laboratories have submitted clinical-significance assessments for this variant to ClinVar after 2014. Based on the evidence outlined above, the variant was classified as pathogenic.

Literature cited by the submitters: PubMed 29947179; PubMed 31283647; PubMed 26763883; PubMed 25801215.

NM_198965.2(PTHLH):c.44T>G (p.Leu15Arg)

Gene: PTHLH (parathyroid hormone like hormone; minus strand). Cytogenetic location: 12p11.22.
Variant type: single nucleotide variant.
Coding change: c.44T>G on transcript NM_198965.2 (MANE Select); coding-DNA position 44, T replaced by G.
Protein change: p.Leu15Arg; replaces leucine 15 with arginine.
Molecular consequence: missense variant.
Genome position (GRCh38, 1-based): chr12:27,969,451, A>C on the plus strand (T>G on the coding strand, the complement: PTHLH is on the minus strand). VCF-style: chr12-27969451-A-C. GRCh37 (hg19) VCF-style: chr12-28122384-A-C.
Other names: c.44T>G, p.Leu15Arg (NM_002820.3, NM_198964.2, NM_198966.2); short protein forms L15R.
Identifiers: ClinVar variation 1192234 (VCV001192234.1), dbSNP rs2120670890, ClinGen allele CA384339776.
Genomic context (GRCh38, chr12:27,969,451, plus strand): 5'-TACAGGCGGCGGCTGAGACCCTCCACCGAGCGCCCGCAGGAGGGCACCGCGTAGCTCAGC[A>C]GGAACACCGCGACGCTCCACTGCTGAACCAGTCTCCGCTGCATCGTCTCCGCTCGCGCTC-3'
Protein context (NP_945316.1, residues 5-25): LVQQWSVAVF[Leu15Arg]LSYAVPSCGR